The following is an entry in ClinVar:

NM_000702.4(ATP1A2):c.2809del (p.Arg937fs)

Gene: ATP1A2 (ATPase Na+/K+ transporting subunit alpha 2; plus strand). Cytogenetic location: 1q23.2.
Variant type: Deletion.
Coding change: c.2809del on transcript NM_000702.4 (MANE Select); coding-DNA position 2809, one base deleted (C; older notation c.2809delC).
Protein change: p.Arg937fs; shifts the reading frame from arginine 937.
Molecular consequence: frameshift variant.
Genome position (GRCh38, 1-based): chr1:160,137,000, C deleted; the last of 3 consecutive C bases (chr1:160,136,998-160,137,000); deleting any one gives the same sequence. VCF-style (leftmost placement, unchanged base first): chr1-160136997-AC-A. GRCh37 (hg19) VCF-style: chr1-160106787-AC-A.
Other names: short protein forms R937fs.
Identifiers: ClinVar variation 979069 (VCV000979069.1), dbSNP rs1651974671, ClinGen allele CA1139656384.

ClinVar aggregate classification (germline): Likely pathogenic (1 of 4 stars; one submission).

Conditions:
Alternating hemiplegia of childhood. Also called: Alternating hemiplegia syndrome. Identifiers: Orphanet 2131, MedGen C0338488, MONDO:0016241.
Migraine, familial hemiplegic, 2. Identifiers: Orphanet 569, MedGen C1865322, MONDO:0011232, OMIM 602481.

Submission:

Human Genome Sequencing Center Clinical Lab, Baylor College of Medicine
Classification: Likely pathogenic for Migraine, familial hemiplegic, 2; Alternating hemiplegia of childhood. Last evaluated: 2018-10-08. Review status: criteria provided, single submitter. Criteria: ACMG Guidelines, 2015. Collection method: clinical testing. Allele origin: germline.
Comment: The c.2809delC (p.Arg937Alafs*10) variant in the ATP1A2 gene is predicted to introduce a premature translation termination codon. Loss-of-function variants in ATP1A2 are known to be pathogenic (PMID: 18056581). This variant is not reported in gnomAD. Therefore, the c.2809delC (p.Arg937Alafs*10) variant in the ATP1A2 gene is classified as likely pathogenic.